The following is an entry in ClinVar:

NM_173523.2(MAGEB6):c.749T>C (p.Val250Ala)

Gene: MAGEB6 (MAGE family member B6; plus strand). Cytogenetic location: Xp21.3.
Variant type: single nucleotide variant.
Coding change: c.749T>C on transcript NM_173523.2 (MANE Select); coding-DNA position 749, T replaced by C.
Protein change: p.Val250Ala; replaces valine 250 with alanine.
Molecular consequence: missense variant.
Genome position (GRCh38, 1-based): chrX:26,194,595, T>C. VCF-style: chrX-26194595-T-C. GRCh37 (hg19) VCF-style: chrX-26212712-T-C.
Other names: short protein forms V250A.
Identifiers: ClinVar variation 4548917 (VCV004548917.1).
Genomic context (GRCh38, chrX:26,194,595, plus strand): 5'-AGCCCTACTTCCCTCAGATCCTCAACAGAACCTCCCAACATTTGGTGGTGGCCTTTGGCG[T>C]TGAATTGAAAGAAATGGATTCCAGCGGCGAGTCCTACACCCTTGTCAGCAAGCTAGGCCT-3'
Protein context (NP_775794.2, residues 240-260): TSQHLVVAFG[Val250Ala]ELKEMDSSGE

ClinVar aggregate classification (germline): Uncertain significance (1 of 4 stars; one submission).

Submission:

Ambry Genetics
Classification: Uncertain significance. Last evaluated: 2025-11-24. Review status: criteria provided, single submitter. Criteria: Ambry Variant Classification Scheme 2023. Collection method: clinical testing. Allele origin: germline.
Comment: The c.749T>C (p.V250A) alteration is located in exon 2 (coding exon 1) of the MAGEB6 gene. This alteration results from a T to C substitution at nucleotide position 749, causing the valine (V) at amino acid position 250 to be replaced by an alanine (A). Based on data from gnomAD, the C allele has an overall frequency of 0.002% (3/205117) total alleles studied. The highest observed frequency was 0.011% (2/19000) of African alleles. Based on insufficient or conflicting evidence, the clinical significance of this alteration remains unclear.